The following is an entry in ClinVar:

ClinVar aggregate classification (germline): Uncertain significance (1 of 4 stars; one submission).

Conditions:
Early-infantile DEE. Also called: Early infantile epileptic encephalopathy; Ohtahara syndrome; Early infantile epileptic encephalopathy with suppression bursts. Identifiers: Orphanet 1934, MedGen C0393706, MONDO:0800491.

Allele frequency attached by ClinVar (database versions not stated): gnomAD exomes below 0.00001.
gnomAD v4.1: 2 of 1,603,450 alleles (0.00012%); highest among the groups gnomAD compares: Non-Finnish European, 0.00017%; no homozygotes.

Submission:

Labcorp Genetics (formerly Invitae), Labcorp
Classification: Uncertain significance for Early-infantile DEE. Last evaluated: 2021-07-17. Review status: criteria provided, single submitter. Criteria: Invitae Variant Classification Sherloc (09022015). Collection method: clinical testing. Allele origin: germline.
Comment: This variant is not present in population databases (ExAC no frequency). In summary, the available evidence is currently insufficient to determine the role of this variant in disease. Therefore, it has been classified as a Variant of Uncertain Significance. Advanced modeling of protein sequence and biophysical properties (such as structural, functional, and spatial information, amino acid conservation, physicochemical variation, residue mobility, and thermodynamic stability) performed at Invitae indicates that this missense variant is expected to disrupt SCN1A protein function. This variant has been observed in individual(s) with clinical features of SCN1A-related conditions (Invitae). This sequence change replaces lysine with glutamic acid at codon 1490 of the SCN1A protein (p.Lys1490Glu). The lysine residue is highly conserved and there is a small physicochemical difference between lysine and glutamic acid.

NM_001165963.4(SCN1A):c.4468A>G (p.Lys1490Glu)

Genes: SCN1A (sodium voltage-gated channel alpha subunit 1; minus strand), LOC102724058 (uncharacterized LOC102724058; plus strand). Cytogenetic location: 2q24.3.
Variant type: single nucleotide variant.
Coding change: c.4468A>G on transcript NM_001165963.4 (MANE Select); coding-DNA position 4468, A replaced by G.
Protein change: p.Lys1490Glu; replaces lysine 1490 with glutamic acid.
Molecular consequence: missense variant. On other transcripts: non-coding transcript variant (1).
Genome position (GRCh38, 1-based): chr2:165,998,046, T>C on the plus strand (A>G on the coding strand, the complement: SCN1A is on the minus strand). VCF-style: chr2-165998046-T-C. GRCh37 (hg19) VCF-style: chr2-166854556-T-C.
Other names: c.4384A>G, p.Lys1462Glu (NM_001165964.3, NM_001353957.2, NM_001353958.2); c.4468A>G, p.Lys1490Glu (NM_001202435.3, NM_001353948.2); c.4435A>G, p.Lys1479Glu (NM_001353949.2, NM_001353950.2, NM_001353951.2 and 2 more transcripts); c.4432A>G, p.Lys1478Glu (NM_001353954.2, NM_001353955.2); c.4381A>G, p.Lys1461Glu (NM_001353960.2); c.2026A>G, p.Lys676Glu (NM_001353961.2); short protein forms K1479E, K1461E, K1462E, K1478E, K1490E, K676E.
Identifiers: ClinVar variation 1436990 (VCV001436990.9), dbSNP rs1553522306, ClinGen allele CA349049083.